The following is an entry in ClinVar:

NM_005902.4(SMAD3):c.614C>T (p.Pro205Leu)

Gene: SMAD3 (SMAD family member 3; plus strand). Cytogenetic location: 15q22.33.
Variant type: single nucleotide variant.
Coding change: c.614C>T on transcript NM_005902.4 (MANE Select); coding-DNA position 614, C replaced by T.
Protein change: p.Pro205Leu; replaces proline 205 with leucine.
Molecular consequence: missense variant.
Genome position (GRCh38, 1-based): chr15:67,170,560, C>T. VCF-style: chr15-67170560-C-T. GRCh37 (hg19) VCF-style: chr15-67462898-C-T.
Other names: c.167C>T, p.Pro56Leu (NM_001407015.1); c.299C>T, p.Pro100Leu (NM_001407016.1, NM_001145102.2); c.29C>T, p.Pro10Leu (NM_001407017.1, NM_001145104.2); c.482C>T, p.Pro161Leu (NM_001145103.2, NM_001407012.1); c.614C>T, p.Pro205Leu (NM_001407011.1, NM_001407013.1); c.467C>T, p.Pro156Leu (NM_001407014.1); short protein forms P100L, P10L, P156L, P161L, P205L, P56L.
Identifiers: ClinVar variation 3072622 (VCV003072622.1), dbSNP rs2505239674, ClinGen allele CA392954997.

ClinVar aggregate classification (germline): Uncertain significance (1 of 4 stars; one submission).

Conditions:
Aneurysm-osteoarthritis syndrome. Also called: SMAD3-Related Loeys-Dietz Syndrome; ANEURYSMS-OSTEOARTHRITIS SYNDROME; Loeys-Dietz syndrome, type 1C; LOEYS-DIETZ SYNDROME WITH OSTEOARTHRITIS. Identifiers: Orphanet 284984, MedGen C3151087, MONDO:0013426, OMIM 613795.

Submission:

All of Us Research Program, National Institutes of Health
Classification: Uncertain significance for Aneurysm-osteoarthritis syndrome. Last evaluated: 2023-08-15. Review status: criteria provided, single submitter. Criteria: ACMG Guidelines, 2015. Collection method: clinical testing. Allele origin: germline. Inheritance: Autosomal dominant inheritance. Observed: 1 variant allele, 1 heterozygote.
Comment: This study involves interpretation of variants in research participants for the purpose of population health screening. Participant phenotype was not available at the time of variant classification. Additional details can be found in publication PMID: 35346344, PMCID: PMC8962531